The following is an entry in ClinVar:

ClinVar aggregate classification (germline): Uncertain significance (1 of 4 stars; one submission).

gnomAD v4.1: 16 of 1,612,584 alleles (0.00099%); highest among the groups gnomAD compares: Non-Finnish European, 0.0012%; no homozygotes.

Submission:

Labcorp Genetics (formerly Invitae), Labcorp
Classification: Uncertain significance. Last evaluated: 2024-08-21. Review status: criteria provided, single submitter. Criteria: Invitae Variant Classification Sherloc (09022015). Collection method: clinical testing. Allele origin: germline.
Comment: This sequence change replaces aspartic acid, which is acidic and polar, with glutamic acid, which is acidic and polar, at codon 67 of the DUOX2 protein (p.Asp67Glu). This variant is present in population databases (rs756138223, gnomAD 0.002%). This variant has not been reported in the literature in individuals affected with DUOX2-related conditions. ClinVar contains an entry for this variant (Variation ID: 1922453). Invitae Evidence Modeling of protein sequence and biophysical properties (such as structural, functional, and spatial information, amino acid conservation, physicochemical variation, residue mobility, and thermodynamic stability) indicates that this missense variant is expected to disrupt DUOX2 protein function with a positive predictive value of 80%. In summary, the available evidence is currently insufficient to determine the role of this variant in disease. Therefore, it has been classified as a Variant of Uncertain Significance.

NM_001363711.2(DUOX2):c.201C>A (p.Asp67Glu)

Gene: DUOX2 (dual oxidase 2; minus strand). Cytogenetic location: 15q21.1.
Variant type: single nucleotide variant.
Coding change: c.201C>A on transcript NM_001363711.2 (MANE Select); coding-DNA position 201, C replaced by A.
Protein change: p.Asp67Glu; replaces aspartic acid 67 with glutamic acid.
Molecular consequence: missense variant.
Genome position (GRCh38, 1-based): chr15:45,112,678, G>T on the plus strand (C>A on the coding strand, the complement: DUOX2 is on the minus strand). VCF-style: chr15-45112678-G-T. GRCh37 (hg19) VCF-style: chr15-45404876-G-T.
Other names: c.201C>A, p.Asp67Glu (NM_014080.5); short protein forms D67E.
Identifiers: ClinVar variation 1922453 (VCV001922453.4), dbSNP rs756138223, ClinGen allele CA270135280.